The following is an entry in ClinVar:

NM_000088.4(COL1A1):c.3182G>C (p.Gly1061Ala)

Gene: COL1A1 (collagen type I alpha 1 chain; minus strand). Cytogenetic location: 17q21.33.
Variant type: single nucleotide variant.
Coding change: c.3182G>C on transcript NM_000088.4 (MANE Select); coding-DNA position 3182, G replaced by C.
Protein change: p.Gly1061Ala; replaces glycine 1061 with alanine.
Molecular consequence: missense variant.
Genome position (GRCh38, 1-based): chr17:50,188,555, C>G on the plus strand (G>C on the coding strand, the complement: COL1A1 is on the minus strand). VCF-style: chr17-50188555-C-G. GRCh37 (hg19) VCF-style: chr17-48265916-C-G.
Other names: short protein forms G1061A.
Identifiers: ClinVar variation 691322 (VCV000691322.3), dbSNP rs72654797, ClinGen allele CA400200719.

ClinVar aggregate classification (germline): Likely pathogenic (1 of 4 stars; one submission).

Conditions:
Osteogenesis imperfecta (OI). Identifiers: Orphanet 666, MedGen C0029434, MeSH D010013, MONDO:0019019.

Submission:

Genetics Department, Polish Mother's Memorial Hospital Research Institute
Classification: Likely pathogenic for Osteogenesis imperfecta. Last evaluated: 2019-07-11. Review status: criteria provided, single submitter. Criteria: ACMG Guidelines, 2015. Collection method: research. Allele origin: unknown. Affected: yes. Observed: 1 variant allele.